The following is an entry in ClinVar:

ClinVar aggregate classification (germline): Uncertain significance. Review status: criteria provided, multiple submitters, no conflicts (2 of 4 stars). 2 submissions from 2 submitters: Uncertain significance (2). Last evaluated 2024-09-07.

Conditions:
Multiple gastrointestinal atresias. Also called: FAMILIAL INTESTINAL POLYATRESIA SYNDROME; Multiple intestinal atresia. Identifiers: Orphanet 2300, MedGen C0220744, MONDO:0009465.

Allele frequency attached by ClinVar (database versions not stated): gnomAD exomes below 0.00001; gnomAD 0.00001; TOPMed 0.00003.
gnomAD v4.1: 5 of 1,611,668 alleles (0.00031%); highest among the groups gnomAD compares: Admixed American, 0.0033%; no homozygotes.

Submissions (2):

GeneDx
Classification: Uncertain significance. Last evaluated: 2024-09-07. Review status: criteria provided, single submitter. Criteria: GeneDx Variant Classification Process June 2021. Collection method: clinical testing. Allele origin: germline. Affected: yes.
Comment: Not observed at significant frequency in large population cohorts (gnomAD); In silico analysis indicates that this missense variant does not alter protein structure/function; Has not been previously published as pathogenic or benign to our knowledge

Labcorp Genetics (formerly Invitae), Labcorp
Classification: Uncertain significance for Multiple gastrointestinal atresias. Last evaluated: 2021-08-23. Review status: criteria provided, single submitter. Criteria: Invitae Variant Classification Sherloc (09022015). Collection method: clinical testing. Allele origin: germline.
Comment: This variant has not been reported in the literature in individuals affected with TTC7A-related conditions. This variant is not present in population databases (ExAC no frequency). This sequence change replaces methionine with isoleucine at codon 689 of the TTC7A protein (p.Met689Ile). The methionine residue is weakly conserved and there is a small physicochemical difference between methionine and isoleucine. Algorithms developed to predict the effect of missense changes on protein structure and function (SIFT, PolyPhen-2, Align-GVGD) all suggest that this variant is likely to be tolerated. In summary, the available evidence is currently insufficient to determine the role of this variant in disease. Therefore, it has been classified as a Variant of Uncertain Significance.

NM_020458.4(TTC7A):c.2067G>A (p.Met689Ile)

Gene: TTC7A (tetratricopeptide repeat domain 7A; plus strand). Cytogenetic location: 2p21.
Variant type: single nucleotide variant.
Coding change: c.2067G>A on transcript NM_020458.4 (MANE Select); coding-DNA position 2067, G replaced by A.
Protein change: p.Met689Ile; replaces methionine 689 with isoleucine.
Molecular consequence: missense variant.
Genome position (GRCh38, 1-based): chr2:47,051,795, G>A. VCF-style: chr2-47051795-G-A. GRCh37 (hg19) VCF-style: chr2-47278934-G-A.
Other names: c.2139G>A, p.Met713Ile (NM_001288951.2); c.1965G>A, p.Met655Ile (NM_001288953.2); c.1005G>A, p.Met335Ile (NM_001288955.2); c.2067G>A (NM_020458.3); short protein forms M689I, M713I, M655I, M335I.
Identifiers: ClinVar variation 1450014 (VCV001450014.6), dbSNP rs1387193729, ClinGen allele CA346713724.
Genomic context (GRCh38, chr2:47,051,795, plus strand): 5'-TTGCTCTGCAGGCTCCCGGCGGGCTTCGTCCATCGCCGCCTCCCGGCTGGAGGAGGCCAT[G>A]TCAGAGCTGACTATGCCCTCTTCGGTCCTGAAGCAGGGCCCCATGCAGCTGTGGACCACG-3'
Protein context (NP_065191.2, residues 679-699): SIAASRLEEA[Met689Ile]SELTMPSSVL